The following is an entry in ClinVar:

NC_000004.11:g.(?_493105)_(499736_?)dup

Genes: PIGG (phosphatidylinositol glycan anchor biosynthesis class G (EMM blood group); plus strand), ZNF721 (zinc finger protein 721; minus strand). Cytogenetic location: 4p16.3.
Variant type: Duplication.
Identifiers: ClinVar variation 583979 (VCV000583979.2).

ClinVar aggregate classification (germline): Uncertain significance (1 of 4 stars; one submission).

Conditions:
Intellectual disability, autosomal recessive 53 (NEDHSCA). Also called: NEURODEVELOPMENTAL DISORDER WITH OR WITHOUT HYPOTONIA, SEIZURES, AND CEREBELLAR ATROPHY; GLYCOSYLPHOSPHATIDYLINOSITOL BIOSYNTHESIS DEFECT 13; Mental retardation, autosomal recessive 53. Identifiers: Orphanet 488635, MedGen C4310794, MONDO:0014832, OMIM 616917.

Submission:

Labcorp Genetics (formerly Invitae), Labcorp
Classification: Uncertain significance for Mental retardation, autosomal recessive 53. Last evaluated: 2019-06-18. Review status: criteria provided, single submitter. Criteria: Invitae Variant Classification Sherloc (09022015). Collection method: clinical testing. Allele origin: germline.
Comment: This variant results in a copy number gain of the genomic region encompassing exons 1-3 of the PIGG gene. The 5' end of this event is unknown as it extends beyond the assayed region for this gene and therefore may encompass additional genes. The 3' boundary is likely confined to intron 3 of the PIGG gene. As the precise location of this event is unknown, it may be in tandem or it may be located elsewhere in the genome. This variant has not been reported in the literature in individuals with PIGG-related disease. In summary, the available evidence is currently insufficient to determine the role of this variant in disease. Therefore, it has been classified as a Variant of Uncertain Significance.